The following is an entry in ClinVar:

ClinVar aggregate classification (germline): Uncertain significance (1 of 4 stars; one submission).

Allele frequency attached by ClinVar (database versions not stated): gnomAD exomes below 0.00001.
gnomAD v4.1: 1 of 1,613,916 alleles (0.000062%); highest among the groups gnomAD compares: Non-Finnish European, 0.000085%; no homozygotes.

Submission:

GeneDx
Classification: Uncertain significance. Last evaluated: 2022-06-09. Review status: criteria provided, single submitter. Criteria: GeneDx Variant Classification Process June 2021. Collection method: clinical testing. Allele origin: germline. Affected: yes.
Comment: Not observed at significant frequency in large population cohorts (gnomAD); In silico analysis supports that this missense variant does not alter protein structure/function; Has not been previously published as pathogenic or benign to our knowledge

NM_133433.4(NIPBL):c.215T>C (p.Val72Ala)

Gene: NIPBL (NIPBL cohesin loading factor; plus strand). Cytogenetic location: 5p13.2.
Variant type: single nucleotide variant.
Coding change: c.215T>C on transcript NM_133433.4 (MANE Select); coding-DNA position 215, T replaced by C.
Protein change: p.Val72Ala; replaces valine 72 with alanine.
Molecular consequence: missense variant.
Genome position (GRCh38, 1-based): chr5:36,955,622, T>C. VCF-style: chr5-36955622-T-C. GRCh37 (hg19) VCF-style: chr5-36955724-T-C.
Other names: c.215T>C, p.Val72Ala (NM_015384.5); short protein forms V72A.
Identifiers: ClinVar variation 1803349 (VCV001803349.1), dbSNP rs2478987527, ClinGen allele CA359474482.